The following is an entry in ClinVar:

NM_004260.4(RECQL4):c.1889A>T (p.Glu630Val)

Gene: RECQL4 (RecQ like helicase 4; minus strand). Cytogenetic location: 8q24.3.
Variant type: single nucleotide variant.
Coding change: c.1889A>T on transcript NM_004260.4 (MANE Select); coding-DNA position 1889, A replaced by T.
Protein change: p.Glu630Val; replaces glutamic acid 630 with valine.
Molecular consequence: missense variant.
Genome position (GRCh38, 1-based): chr8:144,514,097, T>A on the plus strand (A>T on the coding strand, the complement: RECQL4 is on the minus strand). VCF-style: chr8-144514097-T-A. GRCh37 (hg19) VCF-style: chr8-145739481-T-A.
Other names: c.1889A>T (NM_004260.3); short protein forms E630V.
Identifiers: ClinVar variation 1051270 (VCV001051270.4), dbSNP rs2130692831, ClinGen allele CA372680543.

ClinVar aggregate classification (germline): Uncertain significance. Review status: criteria provided, multiple submitters, no conflicts (2 of 4 stars). 2 submissions from 2 submitters: Uncertain significance (2). Last evaluated 2025-03-15.

Conditions:
Inborn genetic diseases. Identifiers: MedGen C0950123, MeSH D030342.
Baller-Gerold syndrome (BGS). Also called: CRANIOSYNOSTOSIS WITH RADIAL DEFECTS. Identifiers: Orphanet 1225, MedGen C0265308, MONDO:0009039, OMIM 218600.

Allele frequency attached by ClinVar (database versions not stated): gnomAD exomes below 0.00001.
gnomAD v4.1: 5 of 1,603,998 alleles (0.00031%); highest among the groups gnomAD compares: Non-Finnish European, 0.00043%; no homozygotes.

Submissions (2):

Ambry Genetics
Classification: Uncertain significance for Inborn genetic diseases. Last evaluated: 2025-03-15. Review status: criteria provided, single submitter. Criteria: Ambry Variant Classification Scheme 2023. Collection method: clinical testing. Allele origin: germline.
Comment: The p.E630V variant (also known as c.1889A>T), located in coding exon 12 of the RECQL4 gene, results from an A to T substitution at nucleotide position 1889. The glutamic acid at codon 630 is replaced by valine, an amino acid with dissimilar properties. This amino acid position is conserved. In addition, the in silico prediction for this alteration is inconclusive. Based on the available evidence, the clinical significance of this variant remains unclear.

Labcorp Genetics (formerly Invitae), Labcorp
Classification: Uncertain significance for Baller-Gerold syndrome. Last evaluated: 2020-06-16. Review status: criteria provided, single submitter. Criteria: Invitae Variant Classification Sherloc (09022015). Collection method: clinical testing. Allele origin: germline.
Comment: This variant has not been reported in the literature in individuals with RECQL4-related conditions. This variant is not present in population databases (ExAC no frequency). This sequence change replaces glutamic acid with valine at codon 630 of the RECQL4 protein (p.Glu630Val). The glutamic acid residue is highly conserved and there is a moderate physicochemical difference between glutamic acid and valine. In summary, the available evidence is currently insufficient to determine the role of this variant in disease. Therefore, it has been classified as a Variant of Uncertain Significance. Experimental studies and prediction algorithms are not available or were not evaluated, and the functional significance of this variant is currently unknown.